The following is an entry in ClinVar:

NM_172107.4(KCNQ2):c.2144C>T (p.Ser715Phe)

Gene: KCNQ2 (potassium voltage-gated channel subfamily Q member 2; minus strand). Cytogenetic location: 20q13.33.
Variant type: single nucleotide variant.
Coding change: c.2144C>T on transcript NM_172107.4 (MANE Select); coding-DNA position 2144, C replaced by T.
Protein change: p.Ser715Phe; replaces serine 715 with phenylalanine.
Molecular consequence: missense variant.
Genome position (GRCh38, 1-based): chr20:63,407,119, G>A on the plus strand (C>T on the coding strand, the complement: KCNQ2 is on the minus strand). VCF-style: chr20-63407119-G-A. GRCh37 (hg19) VCF-style: chr20-62038472-G-A.
Other names: c.2198C>T, p.Ser733Phe (NM_001382235.1); c.2060C>T, p.Ser687Phe (NM_004518.6); c.2090C>T, p.Ser697Phe (NM_172106.3); c.2051C>T, p.Ser684Phe (NM_172108.5); short protein forms S687F, S733F, S697F, S715F, S684F.
Identifiers: ClinVar variation 3650629 (VCV003650629.2).

ClinVar aggregate classification (germline): Uncertain significance (1 of 4 stars; one submission).

Conditions:
Early-infantile DEE. Also called: Early infantile epileptic encephalopathy; Ohtahara syndrome; Early infantile epileptic encephalopathy with suppression bursts. Identifiers: Orphanet 1934, MedGen C0393706, MONDO:0800491.

Submission:

Labcorp Genetics (formerly Invitae), Labcorp
Classification: Uncertain significance for Early-infantile DEE. Last evaluated: 2024-04-22. Review status: criteria provided, single submitter. Criteria: Invitae Variant Classification Sherloc (09022015). Collection method: clinical testing. Allele origin: germline.
Comment: This sequence change replaces serine, which is neutral and polar, with phenylalanine, which is neutral and non-polar, at codon 715 of the KCNQ2 protein (p.Ser715Phe). This variant is not present in population databases (gnomAD no frequency). This variant has not been reported in the literature in individuals affected with KCNQ2-related conditions. An algorithm developed to predict the effect of missense changes on protein structure and function (PolyPhen-2) suggests that this variant is likely to be disruptive. In summary, the available evidence is currently insufficient to determine the role of this variant in disease. Therefore, it has been classified as a Variant of Uncertain Significance.